The following is an entry in ClinVar:

NM_001267550.2(TTN):c.38698C>A (p.Pro12900Thr)

Gene: TTN (titin; minus strand). Cytogenetic location: 2q31.2.
Variant type: single nucleotide variant.
Coding change: c.38698C>A on transcript NM_001267550.2 (MANE Select); coding-DNA position 38698, C replaced by A.
Protein change: p.Pro12900Thr; replaces proline 12900 with threonine.
Molecular consequence: missense variant. On other transcripts: intron variant (5).
Genome position (GRCh38, 1-based): chr2:178,653,436, G>T on the plus strand (C>A on the coding strand, the complement: TTN is on the minus strand). VCF-style: chr2-178653436-G-T. GRCh37 (hg19) VCF-style: chr2-179518163-G-T.
Other names: c.13283-11119C>A (NM_003319.4); c.13859-11119C>A (NM_133437.4); c.13658-11119C>A (NM_133432.3); c.31742-895C>A (NM_133378.4); c.34523-895C>A (NM_001256850.1); short protein forms P12900T.
Identifiers: ClinVar variation 2430792 (VCV002430792.1), dbSNP rs757064645, ClinGen allele CA349468740.

ClinVar aggregate classification (germline): Uncertain significance (1 of 4 stars; one submission).

Submission:

GeneDx
Classification: Uncertain significance. Last evaluated: 2022-08-15. Review status: criteria provided, single submitter. Criteria: GeneDx Variant Classification Process June 2021. Collection method: clinical testing. Allele origin: germline. Affected: yes.
Comment: Not observed at significant frequency in large population cohorts (gnomAD); Missense variant in a gene in which most reported pathogenic variants are truncating/loss of function; Has not been previously published as pathogenic or benign to our knowledge